The following is an entry in ClinVar:

NM_030912.3(TRIM8):c.804G>T (p.Gln268His)

Gene: TRIM8 (tripartite motif containing 8; plus strand). Cytogenetic location: 10q24.32.
Variant type: single nucleotide variant.
Coding change: c.804G>T on transcript NM_030912.3 (MANE Select); coding-DNA position 804, G replaced by T.
Protein change: p.Gln268His; replaces glutamine 268 with histidine.
Molecular consequence: missense variant. On other transcripts: non-coding transcript variant (1).
Genome position (GRCh38, 1-based): chr10:102,655,217, G>T. VCF-style: chr10-102655217-G-T. GRCh37 (hg19) VCF-style: chr10-104414974-G-T.
Other names: c.708G>T, p.Gln236His (NM_001345950.1); short protein forms Q268H, Q236H.
Identifiers: ClinVar variation 3660584 (VCV003660584.2).

ClinVar aggregate classification (germline): Uncertain significance (1 of 4 stars; one submission).

Submission:

Labcorp Genetics (formerly Invitae), Labcorp
Classification: Uncertain significance. Last evaluated: 2024-07-25. Review status: criteria provided, single submitter. Criteria: Invitae Variant Classification Sherloc (09022015). Collection method: clinical testing. Allele origin: germline.
Comment: This sequence change replaces glutamine, which is neutral and polar, with histidine, which is basic and polar, at codon 268 of the TRIM8 protein (p.Gln268His). This variant is not present in population databases (gnomAD no frequency). This variant has not been reported in the literature in individuals affected with TRIM8-related conditions. An algorithm developed to predict the effect of missense changes on protein structure and function (PolyPhen-2) suggests that this variant is likely to be disruptive. In summary, the available evidence is currently insufficient to determine the role of this variant in disease. Therefore, it has been classified as a Variant of Uncertain Significance.